The following is an entry in ClinVar:

ClinVar aggregate classification (germline): Likely benign. Review status: criteria provided, multiple submitters, no conflicts (2 of 4 stars). 3 submissions from 3 submitters: Likely benign (2). 1 of the submissions does not count toward it. Last evaluated 2025-12-17.

Conditions:
TCTN3-related disorder. Also called: TCTN3-related condition.
Orofacial-digital syndrome IV (OFD4). Also called: OFD SYNDROME WITH TIBIAL DEFECTS; OFD SYNDROME, BARAITSER-BURN TYPE; OFDS IV; ORAL-FACIAL-DIGITAL SYNDROME, TYPE IV; MOHR-MAJEWSKI SYNDROME; BARAITSER-BURN SYNDROME. Identifiers: Orphanet 2753, MedGen C0406727, MONDO:0009794, OMIM 258860.
Joubert syndrome 18 (JBTS18). Identifiers: Orphanet 2754, MedGen C3553758, MONDO:0013896, OMIM 614815.

Allele frequency attached by ClinVar (database versions not stated): TOPMed 0.00001; gnomAD 0.00003; gnomAD exomes 0.00004; ExAC 0.00016; 1000 Genomes Project 0.00060.
gnomAD v4.1: 73 of 1,593,602 alleles (0.0046%); highest among the groups gnomAD compares: South Asian, 0.073%; no homozygotes.

Submissions (3):

Labcorp Genetics (formerly Invitae), Labcorp
Classification: Likely benign for Joubert syndrome 18; Orofacial-digital syndrome IV. Last evaluated: 2025-12-17. Review status: criteria provided, single submitter. Criteria: Invitae Variant Classification Sherloc (09022015). Collection method: clinical testing. Allele origin: germline.

Blueprint Genetics
Classification: Likely benign. Last evaluated: 2024-04-20. Review status: criteria provided, single submitter. Criteria: ACMG Guidelines, 2015. Collection method: clinical testing. Allele origin: germline.

PreventionGenetics, part of Exact Sciences
Classification: Likely benign for TCTN3-related condition. Last evaluated: 2019-04-04. Review status: no assertion criteria provided. Collection method: clinical testing. Allele origin: germline. Not counted in ClinVar's aggregate classification.
Comment: This variant is classified as likely benign based on ACMG/AMP sequence variant interpretation guidelines (Richards et al. 2015 PMID: 25741868, with internal and published modifications).

NM_015631.6(TCTN3):c.628-10T>C

Gene: TCTN3 (tectonic family member 3; minus strand). Cytogenetic location: 10q24.1.
Variant type: single nucleotide variant.
Coding change: c.628-10T>C on transcript NM_015631.6 (MANE Select); 10 bases into the intron before coding-DNA position 628, T replaced by C.
Molecular consequence: intron variant.
Genome position (GRCh38, 1-based): chr10:95,687,365, A>G on the plus strand (T>C on the coding strand, the complement: TCTN3 is on the minus strand). VCF-style: chr10-95687365-A-G. GRCh37 (hg19) VCF-style: chr10-97447122-A-G.
Other names: c.500-206T>C (NM_001143973.2); c.628-10T>C (NM_015631.5).
Identifiers: ClinVar variation 2152111 (VCV002152111.7), dbSNP rs560691212, ClinGen allele CA5621097.